The following is an entry in ClinVar:

ClinVar aggregate classification (germline): Uncertain significance (1 of 4 stars; one submission).

Conditions:
Hereditary cancer-predisposing syndrome. Also called: Hereditary neoplastic syndrome; Neoplastic Syndromes, Hereditary; Tumor predisposition; Hereditary Cancer Syndrome. Identifiers: Orphanet 140162, MedGen C0027672, MeSH D009386, MONDO:0015356.

Submission:

Ambry Genetics
Classification: Uncertain significance for Hereditary cancer-predisposing syndrome. Last evaluated: 2025-01-23. Review status: criteria provided, single submitter. Criteria: Ambry Variant Classification Scheme 2023. Collection method: clinical testing. Allele origin: germline.
Comment: The p.M362T variant (also known as c.1085T>C), located in coding exon 4 of the AXIN2 gene, results from a T to C substitution at nucleotide position 1085. The methionine at codon 362 is replaced by threonine, an amino acid with similar properties. This amino acid position is conserved. In addition, this alteration is predicted to be deleterious by in silico analysis. Based on the available evidence, the clinical significance of this variant remains unclear.

NM_004655.4(AXIN2):c.1085T>C (p.Met362Thr)

Gene: AXIN2 (axin 2; minus strand). Cytogenetic location: 17q24.1.
Variant type: single nucleotide variant.
Coding change: c.1085T>C on transcript NM_004655.4 (MANE Select); coding-DNA position 1085, T replaced by C.
Protein change: p.Met362Thr; replaces methionine 362 with threonine.
Molecular consequence: missense variant.
Genome position (GRCh38, 1-based): chr17:65,538,318, A>G on the plus strand (T>C on the coding strand, the complement: AXIN2 is on the minus strand). VCF-style: chr17-65538318-A-G. GRCh37 (hg19) VCF-style: chr17-63534436-A-G.
Other names: c.1085T>C, p.Met362Thr (NM_001363813.1); short protein forms M362T.
Identifiers: ClinVar variation 3814471 (VCV003814471.1).